The following is an entry in ClinVar:

ClinVar aggregate classification (germline): Likely benign. Review status: criteria provided, multiple submitters, no conflicts (2 of 4 stars). 2 submissions from 2 submitters: Likely benign (2). Last evaluated 2021-12-08.

Conditions:
Congenital generalized lipodystrophy type 2 (CGL2). Also called: BERARDINELLI SYNDROME; BRUNZELL SYNDROME, BSCL2-RELATED; Berardinelli-Seip Congenital Lipodystrophy Type 2; SEIP SYNDROME. Identifiers: Orphanet 528, Orphanet 696289, MedGen C1720863, MONDO:0010020, OMIM 269700.
Neuronopathy, distal hereditary motor, type 5C. Also called: SPINAL MUSCULAR ATROPHY, DISTAL, HARDING TYPE VC; NEURONOPATHY, DISTAL HEREDITARY MOTOR, HARDING TYPE VC; NEUROPATHY, DISTAL HEREDITARY MOTOR, HARDING TYPE VC; NEURONOPATHY, DISTAL HEREDITARY MOTOR, AUTOSOMAL DOMINANT 13; DHMN VC. Identifiers: MedGen C5436838, MONDO:0030860, OMIM 619112.
Hereditary spastic paraplegia 17. Also called: SPASTIC PARAPLEGIA WITH AMYOTROPHY OF HANDS AND FEET; Silver spastic paraplegia syndrome; Spastic Paraplegia 17; Autosomal dominant spastic paraplegia type 17; Silver Syndrome. Identifiers: Orphanet 100998, MedGen C2931276, MONDO:0010043, OMIM 270685.
Severe neurodegenerative syndrome with lipodystrophy. Also called: ENCEPHALOPATHY, PROGRESSIVE, WITH LIPODYSTROPHY; Encephalopathy, progressive, with or without lipodystrophy. Identifiers: Orphanet 363400, MedGen C4014700, MONDO:0014402, OMIM 615924.

Allele frequency attached by ClinVar (database versions not stated): gnomAD 0.00007 and 0.00008; TOPMed 0.00008; ExAC 0.00020.

Submissions (2):

Fulgent Genetics
Classification: Likely benign for Congenital generalized lipodystrophy type 2; Hereditary spastic paraplegia 17; Severe neurodegenerative syndrome with lipodystrophy; Neuronopathy, distal hereditary motor, type 5C. Last evaluated: 2021-12-08. Review status: criteria provided, single submitter. Criteria: ACMG Guidelines, 2015. Collection method: clinical testing. Allele origin: unknown.

GeneDx
Classification: Likely benign. Last evaluated: 2016-06-16. Review status: criteria provided, single submitter. Criteria: GeneDx Variant Classification (06012015). Collection method: clinical testing. Allele origin: germline. Affected: yes.
Comment: This variant is considered likely benign or benign based on one or more of the following criteria: it is a conservative change, it occurs at a poorly conserved position in the protein, it is predicted to be benign by multiple in silico algorithms, and/or has population frequency not consistent with disease.

NM_001122955.4(BSCL2):c.88-19C>T

Genes: BSCL2 (BSCL2 lipid droplet biogenesis associated, seipin; minus strand), HNRNPUL2-BSCL2 (HNRNPUL2-BSCL2 readthrough (NMD candidate); minus strand). Cytogenetic location: 11q12.3.
Variant type: single nucleotide variant.
Coding change: c.88-19C>T on transcript NM_001122955.4 (MANE Select); 19 bases into the intron before coding-DNA position 88, C replaced by T.
Molecular consequence: intron variant.
Genome position (GRCh38, 1-based): chr11:62,705,636, G>A on the plus strand (C>T on the coding strand, the complement: BSCL2 is on the minus strand). VCF-style: chr11-62705636-G-A. GRCh37 (hg19) VCF-style: chr11-62473108-G-A.
Other names: c.-105-19C>T (NM_001130702.2, NM_032667.6); c.88-19C>T (NM_001386028.1, NM_001386027.1).
Identifiers: ClinVar variation 386954 (VCV000386954.2), dbSNP rs760935362, ClinGen allele CA6053661.
Genomic context (GRCh38, chr11:62,705,636, plus strand): 5'-TGGACGCCACCCCTGGCCATGGGATGCAGCAGCTGGTGGTTCCTGGAAAGAGAGGGTGAG[G>A]GAAAAGAGTGACTCCTTTCCCCAGGGAGGTGGGGACAAAACAGCTTACTGGACTGGCTTT-3'